The following is an entry in ClinVar:

ClinVar aggregate classification (germline): Uncertain significance. Review status: criteria provided, multiple submitters, no conflicts (2 of 4 stars). 2 submissions from 2 submitters: Uncertain significance (2). Last evaluated 2025-12-25.

Conditions:
Inborn genetic diseases. Identifiers: MedGen C0950123, MeSH D030342.
Cataract 5 multiple types (CTRCT5). Also called: CATARACT 5, LAMELLAR; CATARACT, MARNER TYPE; Lamellar cataract. Identifiers: Orphanet 91492, MedGen C0266537, MONDO:0007290, OMIM 116800, HP:0007971.

gnomAD v4.1: 18 of 1,613,458 alleles (0.0011%); highest among the groups gnomAD compares: Admixed American, 0.0017%; no homozygotes.

Submissions (2):

Labcorp Genetics (formerly Invitae), Labcorp
Classification: Uncertain significance for Cataract 5 multiple types. Last evaluated: 2025-12-25. Review status: criteria provided, single submitter. Criteria: Invitae Variant Classification Sherloc (09022015). Collection method: clinical testing. Allele origin: germline.
Comment: This sequence change replaces alanine, which is neutral and non-polar, with valine, which is neutral and non-polar, at codon 402 of the HSF4 protein (p.Ala402Val). The frequency data for this variant in the population databases is considered unreliable, as metrics indicate poor data quality at this position in the gnomAD database. This variant has not been reported in the literature in individuals affected with HSF4-related conditions. ClinVar contains an entry for this variant (Variation ID: 3526821). An algorithm developed to predict the effect of missense changes on protein structure and function outputs the following: PolyPhen-2: "Benign". The valine amino acid residue is found in multiple mammalian species, which suggests that this missense change does not adversely affect protein function. In summary, the available evidence is currently insufficient to determine the role of this variant in disease. Therefore, it has been classified as a Variant of Uncertain Significance.

Ambry Genetics
Classification: Uncertain significance for Inborn genetic diseases. Last evaluated: 2024-10-17. Review status: criteria provided, single submitter. Criteria: Ambry Variant Classification Scheme 2023. Collection method: clinical testing. Allele origin: germline.

NM_001374675.1(HSF4):c.1295C>T (p.Ala432Val)

Gene: HSF4 (heat shock transcription factor 4; plus strand). Cytogenetic location: 16q22.1.
Variant type: single nucleotide variant.
Coding change: c.1295C>T on transcript NM_001374675.1 (MANE Select); coding-DNA position 1295, C replaced by T.
Protein change: p.Ala432Val; replaces alanine 432 with valine.
Molecular consequence: missense variant.
Genome position (GRCh38, 1-based): chr16:67,169,319, C>T. VCF-style: chr16-67169319-C-T. GRCh37 (hg19) VCF-style: chr16-67203222-C-T.
Other names: c.1295C>T, p.Ala432Val (NM_001040667.3); c.1205C>T, p.Ala402Val (NM_001374674.1, NM_001538.4); short protein forms A402V, A432V.
Identifiers: ClinVar variation 3526821 (VCV003526821.2).